The following is an entry in ClinVar:

NM_001360016.2(G6PD):c.536G>A (p.Ser179Asn)

Gene: G6PD (glucose-6-phosphate dehydrogenase; minus strand). Cytogenetic location: Xq28.
Variant type: single nucleotide variant.
Coding change: c.536G>A on transcript NM_001360016.2 (MANE Select); coding-DNA position 536, G replaced by A.
Protein change: p.Ser179Asn; replaces serine 179 with asparagine.
Molecular consequence: missense variant.
Genome position (GRCh38, 1-based): chrX:154,534,446, C>T on the plus strand (G>A on the coding strand, the complement: G6PD is on the minus strand). VCF-style: chrX-154534446-C-T. GRCh37 (hg19) VCF-style: chrX-153762661-C-T.
Other names: G6PD Gaza; c.626G>A, p.Ser209Asn (NM_000402.4); c.536G>A, p.Ser179Asn (NM_001042351.3); short protein forms S179N, S209N.
Identifiers: ClinVar variation 1722657 (VCV001722657.2), dbSNP rs281860640, ClinGen allele CA337317649.

ClinVar aggregate classification (germline): Pathogenic (1 of 4 stars; one submission).

Conditions:
Anemia, nonspherocytic hemolytic, due to G6PD deficiency (CNSHA1). Also called: Hemolytic anemia due to G6PD deficiency; Class I glucose-6-phosphate dehydrogenase deficiency; Favism, susceptibility to; ANEMIA, CONGENITAL, NONSPHEROCYTIC HEMOLYTIC, 1. Identifiers: Orphanet 466026, MedGen C2720289, MONDO:0010480, OMIM 300908.

Allele frequency attached by ClinVar (database versions not stated): gnomAD exomes below 0.00001.
gnomAD v4.1: 1 of 1,211,823 alleles (0.000083%); highest among the groups gnomAD compares: Non-Finnish European, 0.00011%; no homozygotes.

Submission:

Dunham Lab, University of Washington
Classification: Pathogenic for Anemia, nonspherocytic hemolytic, due to G6PD deficiency. Last evaluated: 2022-08-12. Review status: criteria provided, single submitter. Criteria: Bayesian ACMG Guidelines, 2018. Collection method: curation. Allele origin: unknown. Affected: yes.
Comment: Variant found in unrelated individuals with deficiency and anemia (PS4_M, PP4). Decreased activity in red blood cells of heterozygote (20-60%) (PS3). Predicted to lead to decreased NADP binding and be damaging by SIFT, probably damaging by PolyPhen (PP3). Not found in gnomAD (PM2). Post_P 0.994 (odds of pathogenicity 1517, Prior_P 0.1).

Literature cited by the submitters: PubMed 22770933; PubMed 34620237.